The following is an entry in ClinVar:

ClinVar aggregate classification (germline): Uncertain significance (1 of 4 stars; one submission).

Submission:

CeGaT Center for Human Genetics Tuebingen
Classification: Uncertain significance. Last evaluated: 2024-10-01. Review status: criteria provided, single submitter. Criteria: CeGaT Center For Human Genetics Tuebingen Variant Classification Criteria Version 2. Collection method: clinical testing. Allele origin: germline. Affected: yes. Observed: 1 variant allele.
Comment: PPOX: PM2

NM_001122764.3(PPOX):c.950T>C (p.Val317Ala)

Gene: PPOX (protoporphyrinogen oxidase; plus strand). Cytogenetic location: 1q23.3.
Variant type: single nucleotide variant.
Coding change: c.950T>C on transcript NM_001122764.3 (MANE Select); coding-DNA position 950, T replaced by C.
Protein change: p.Val317Ala; replaces valine 317 with alanine.
Molecular consequence: missense variant.
Genome position (GRCh38, 1-based): chr1:161,169,987, T>C. VCF-style: chr1-161169987-T-C. GRCh37 (hg19) VCF-style: chr1-161139777-T-C.
Other names: c.950T>C, p.Val317Ala (NM_000309.5, NM_001365398.1, NM_001365399.1); c.851T>C, p.Val284Ala (NM_001350128.2); c.542T>C, p.Val181Ala (NM_001350129.2, NM_001365400.1); c.464T>C, p.Val155Ala (NM_001350130.2, NM_001350131.2, NM_001365401.1); short protein forms V155A, V181A, V284A, V317A.
Identifiers: ClinVar variation 3389854 (VCV003389854.14).